The following is an entry in ClinVar:

ClinVar aggregate classification (germline): Uncertain significance (1 of 4 stars; one submission).

Allele frequency attached by ClinVar (database versions not stated): 1000 Genomes Project 0.00020; 1000 Genomes Project 30x 0.00016.
gnomAD v4.1: 2 of 1,613,924 alleles (0.00012%); highest among the groups gnomAD compares: East Asian, 0.0022%; no homozygotes.

Submission:

Labcorp Genetics (formerly Invitae), Labcorp
Classification: Uncertain significance. Last evaluated: 2022-09-27. Review status: criteria provided, single submitter. Criteria: Invitae Variant Classification Sherloc (09022015). Collection method: clinical testing. Allele origin: germline.
Comment: This sequence change replaces asparagine, which is neutral and polar, with lysine, which is basic and polar, at codon 119 of the USH2A protein (p.Asn119Lys). This variant is present in population databases (rs562750831, gnomAD 0.006%). This variant has not been reported in the literature in individuals affected with USH2A-related conditions. ClinVar contains an entry for this variant (Variation ID: 1447185). Advanced modeling of protein sequence and biophysical properties (such as structural, functional, and spatial information, amino acid conservation, physicochemical variation, residue mobility, and thermodynamic stability) performed at Invitae indicates that this missense variant is not expected to disrupt USH2A protein function. Algorithms developed to predict the effect of sequence changes on RNA splicing suggest that this variant may create or strengthen a splice site. In summary, the available evidence is currently insufficient to determine the role of this variant in disease. Therefore, it has been classified as a Variant of Uncertain Significance.

NM_206933.4(USH2A):c.357C>A (p.Asn119Lys)

Gene: USH2A (usherin; minus strand). Cytogenetic location: 1q41.
Variant type: single nucleotide variant.
Coding change: c.357C>A on transcript NM_206933.4 (MANE Select); coding-DNA position 357, C replaced by A.
Protein change: p.Asn119Lys; replaces asparagine 119 with lysine.
Molecular consequence: missense variant.
Genome position (GRCh38, 1-based): chr1:216,421,980, G>T on the plus strand (C>A on the coding strand, the complement: USH2A is on the minus strand). VCF-style: chr1-216421980-G-T. GRCh37 (hg19) VCF-style: chr1-216595322-G-T.
Other names: c.357C>A, p.Asn119Lys (NM_007123.6); short protein forms N119K.
Identifiers: ClinVar variation 1447185 (VCV001447185.3), dbSNP rs562750831, ClinGen allele CA1396811.